The following is an entry in ClinVar:

ClinVar aggregate classification (germline): Uncertain significance (1 of 4 stars; one submission).

Conditions:
Bloom syndrome (BLM). Also called: Bloom-Torre-Machacek syndrome. Identifiers: Orphanet 125, MedGen C0005859, MONDO:0008876, OMIM 210900.

Submission:

Labcorp Genetics (formerly Invitae), Labcorp
Classification: Uncertain significance for Bloom syndrome. Last evaluated: 2022-12-16. Review status: criteria provided, single submitter. Criteria: Invitae Variant Classification Sherloc (09022015). Collection method: clinical testing. Allele origin: germline.
Comment: In summary, the available evidence is currently insufficient to determine the role of this variant in disease. Therefore, it has been classified as a Variant of Uncertain Significance. Advanced modeling of protein sequence and biophysical properties (such as structural, functional, and spatial information, amino acid conservation, physicochemical variation, residue mobility, and thermodynamic stability) performed at Invitae indicates that this missense variant is not expected to disrupt BLM protein function. This variant has not been reported in the literature in individuals affected with BLM-related conditions. This variant is not present in population databases (gnomAD no frequency). This sequence change replaces isoleucine, which is neutral and non-polar, with methionine, which is neutral and non-polar, at codon 1130 of the BLM protein (p.Ile1130Met).

NM_000057.4(BLM):c.3390A>G (p.Ile1130Met)

Gene: BLM (BLM RecQ like helicase; plus strand). Cytogenetic location: 15q26.1.
Variant type: single nucleotide variant.
Coding change: c.3390A>G on transcript NM_000057.4 (MANE Select); coding-DNA position 3390, A replaced by G.
Protein change: p.Ile1130Met; replaces isoleucine 1130 with methionine.
Molecular consequence: missense variant. On other transcripts: intron variant (1).
Genome position (GRCh38, 1-based): chr15:90,803,552, A>G. VCF-style: chr15-90803552-A-G. GRCh37 (hg19) VCF-style: chr15-91346782-A-G.
Other names: c.3390A>G, p.Ile1130Met (NM_001287246.2); c.2265A>G, p.Ile755Met (NM_001287248.2); c.3358+5215A>G (NM_001287247.2); short protein forms I1130M, I755M.
Identifiers: ClinVar variation 2821552 (VCV002821552.3), dbSNP rs2505546772, ClinGen allele CA393847494.